The following is an entry in ClinVar:

ClinVar aggregate classification (germline): Uncertain significance (1 of 4 stars; one submission).

Conditions:
DICER1-related tumor predisposition. Also called: DICER1 syndrome; DICER1-related pleuropulmonary blastoma cancer predisposition syndrome. Identifiers: Orphanet 284343, MedGen C3839822, MONDO:0100216.

Allele frequency attached by ClinVar (database versions not stated): gnomAD exomes below 0.00001.
gnomAD v4.1: 1 of 1,610,892 alleles (0.000062%); highest among the groups gnomAD compares: Non-Finnish European, 0.000085%; no homozygotes.

Submission:

Labcorp Genetics (formerly Invitae), Labcorp
Classification: Uncertain significance for DICER1-related tumor predisposition. Last evaluated: 2022-04-29. Review status: criteria provided, single submitter. Criteria: Invitae Variant Classification Sherloc (09022015). Collection method: clinical testing. Allele origin: germline.
Comment: This sequence change replaces cysteine, which is neutral and slightly polar, with phenylalanine, which is neutral and non-polar, at codon 193 of the DICER1 protein (p.Cys193Phe). This variant is not present in population databases (gnomAD no frequency). This variant has not been reported in the literature in individuals affected with DICER1-related conditions. Algorithms developed to predict the effect of missense changes on protein structure and function (SIFT, PolyPhen-2, Align-GVGD) all suggest that this variant is likely to be tolerated. In summary, the available evidence is currently insufficient to determine the role of this variant in disease. Therefore, it has been classified as a Variant of Uncertain Significance.

NM_177438.3(DICER1):c.578G>T (p.Cys193Phe)

Gene: DICER1 (dicer 1, ribonuclease III; minus strand). Cytogenetic location: 14q32.13.
Variant type: single nucleotide variant.
Coding change: c.578G>T on transcript NM_177438.3 (MANE Select); coding-DNA position 578, G replaced by T.
Protein change: p.Cys193Phe; replaces cysteine 193 with phenylalanine.
Molecular consequence: missense variant. On other transcripts: 5 prime UTR variant (1), non-coding transcript variant (6).
Genome position (GRCh38, 1-based): chr14:95,129,628, C>A on the plus strand (G>T on the coding strand, the complement: DICER1 is on the minus strand). VCF-style: chr14-95129628-C-A. GRCh37 (hg19) VCF-style: chr14-95595965-C-A.
Other names: c.578G>T, p.Cys193Phe (NM_001195573.1, NM_001271282.3, NM_001291628.2 and 15 more transcripts); c.296G>T, p.Cys99Phe (NM_001395686.1); c.173G>T, p.Cys58Phe (NM_001395687.1, NM_001395688.1, NM_001395689.1 and 3 more transcripts); c.11G>T, p.Cys4Phe (NM_001395691.1); c.-991G>T (NM_001395697.1); short protein forms C193F, C99F, C4F, C58F.
Identifiers: ClinVar variation 2131860 (VCV002131860.4), dbSNP rs1893778744, ClinGen allele CA390888300.
Genomic context (GRCh38, chr14:95,129,628, plus strand): 5'-TTCCCATTTAAAATGGAAGCAGTTAGTCCCAAAATGCGAGGACATGATGGACAATTTTCA[C>A]AGAGCTAACATAATAAAAGATACTGACAGTAAAGACTTCATTTTGCAAGGCTATAACAAG-3'
Protein context (NP_803187.1, residues 183-203): DHPYREIMKL[Cys193Phe]ENCPSCPRIL